The following is an entry in ClinVar:

NM_000127.3(EXT1):c.652_665del (p.Lys218fs)

Gene: EXT1 (exostosin glycosyltransferase 1; minus strand). Cytogenetic location: 8q24.11.
Variant type: Deletion.
Coding change: c.652_665del on transcript NM_000127.3 (MANE Select); coding-DNA positions 652 to 665, 14 bases deleted (AAAGCCAGCATCAG).
Protein change: p.Lys218fs; shifts the reading frame from lysine 218.
Molecular consequence: frameshift variant.
Genome position (GRCh38, 1-based): chr8:118,110,382-118,110,395, CTGATGCTGGCTTT deleted on the plus strand (AAAGCCAGCATCAG on the coding strand, the reverse complement: EXT1 is on the minus strand). VCF-style (leftmost placement, unchanged base first): chr8-118110381-ACTGATGCTGGCTTT-A. GRCh37 (hg19) VCF-style: chr8-119122620-ACTGATGCTGGCTTT-A.
Other names: short protein forms K218fs.
Identifiers: ClinVar variation 3722139 (VCV003722139.2).

ClinVar aggregate classification (germline): Pathogenic (1 of 4 stars; one submission).

Conditions:
Multiple congenital exostosis (EXT). Also called: MULTIPLE CARTILAGINOUS EXOSTOSES; Multiple exostoses; Hereditary multiple osteochondromas; Hereditary multiple exostoses; Hereditary multiple exostosis; Multiple osteochondromas. Identifiers: Orphanet 321, MedGen C0015306, MONDO:0005508, HP:0002762.

Submission:

Labcorp Genetics (formerly Invitae), Labcorp
Classification: Pathogenic for Multiple congenital exostosis. Last evaluated: 2024-10-03. Review status: criteria provided, single submitter. Criteria: Invitae Variant Classification Sherloc (09022015). Collection method: clinical testing. Allele origin: germline.
Comment: This sequence change creates a premature translational stop signal (p.Lys218Tyrfs*2) in the EXT1 gene. It is expected to result in an absent or disrupted protein product. Loss-of-function variants in EXT1 are known to be pathogenic (PMID: 10679937, 11391482, 19810120). This variant is not present in population databases (gnomAD no frequency). This premature translational stop signal has been observed in individual(s) with multiple exostoses (PMID: 11170095). This variant is also known as 651-664del14. For these reasons, this variant has been classified as Pathogenic.

Literature cited by the submitters: PubMed 10679937; PubMed 11391482; PubMed 19810120; PubMed 11170095.